The following is an entry in ClinVar:

ClinVar aggregate classification (germline): Uncertain significance. Review status: criteria provided, multiple submitters, no conflicts (2 of 4 stars). 3 submissions from 3 submitters: Uncertain significance (3). Last evaluated 2025-05-23.

Conditions:
Hypertrophic osteoarthropathy, primary, autosomal recessive, 1 (PHOAR1). Also called: PHO, AUTOSOMAL RECESSIVE. Identifiers: Orphanet 1525, Orphanet 2796, MedGen C4551679, MONDO:0024546, OMIM 259100.
Isolated congenital digital clubbing. Also called: ACROPACHY, HEREDITARY; CLUBBING OF DIGITS. Identifiers: Orphanet 217059, MedGen C0345408, MONDO:0007343, OMIM 119900.
Inborn genetic diseases. Identifiers: MedGen C0950123, MeSH D030342.

Allele frequency attached by ClinVar (database versions not stated): gnomAD exomes 0.00005 and 0.00009; ExAC 0.00008; gnomAD 0.00008 and 0.00009; TOPMed 0.00008.
gnomAD v4.1: 84 of 1,606,136 alleles (0.0052%); highest among the groups gnomAD compares: Middle Eastern, 0.12%; no homozygotes.

Submissions (3):

Ambry Genetics
Classification: Uncertain significance for Inborn genetic diseases. Last evaluated: 2025-05-23. Review status: criteria provided, single submitter. Criteria: Ambry Variant Classification Scheme 2023. Collection method: clinical testing. Allele origin: germline.

Fulgent Genetics
Classification: Uncertain significance for Isolated congenital digital clubbing; Hypertrophic osteoarthropathy, primary, autosomal recessive, 1. Last evaluated: 2022-04-12. Review status: criteria provided, single submitter. Criteria: ACMG Guidelines, 2015. Collection method: clinical testing. Allele origin: unknown.

Labcorp Genetics (formerly Invitae), Labcorp
Classification: Uncertain significance. Last evaluated: 2022-03-23. Review status: criteria provided, single submitter. Criteria: Invitae Variant Classification Sherloc (09022015). Collection method: clinical testing. Allele origin: germline.
Comment: This sequence change replaces asparagine, which is neutral and polar, with serine, which is neutral and polar, at codon 95 of the HPGD protein (p.Asn95Ser). This variant is present in population databases (rs199975458, gnomAD 0.01%). This variant has not been reported in the literature in individuals affected with HPGD-related conditions. Algorithms developed to predict the effect of missense changes on protein structure and function are either unavailable or do not agree on the potential impact of this missense change (SIFT: "Tolerated"; PolyPhen-2: "Probably Damaging"; Align-GVGD: "Class C0"). Algorithms developed to predict the effect of sequence changes on RNA splicing suggest that this variant may disrupt the consensus splice site. In summary, the available evidence is currently insufficient to determine the role of this variant in disease. Therefore, it has been classified as a Variant of Uncertain Significance.

NM_000860.6(HPGD):c.284A>G (p.Asn95Ser)

Gene: HPGD (15-hydroxyprostaglandin dehydrogenase; minus strand). Cytogenetic location: 4q34.1.
Variant type: single nucleotide variant.
Coding change: c.284A>G on transcript NM_000860.6 (MANE Select); coding-DNA position 284, A replaced by G.
Protein change: p.Asn95Ser; replaces asparagine 95 with serine.
Molecular consequence: missense variant. On other transcripts: 5 prime UTR variant (1), intron variant (2).
Genome position (GRCh38, 1-based): chr4:174,518,011, T>C on the plus strand (A>G on the coding strand, the complement: HPGD is on the minus strand). VCF-style: chr4-174518011-T-C. GRCh37 (hg19) VCF-style: chr4-175439162-T-C.
Other names: c.284A>G, p.Asn95Ser (NM_001145816.3, NM_001256305.2, NM_001363574.2); c.-80A>G (NM_001256301.1); c.217+3933A>G (NM_001256306.2); c.-40+3933A>G (NM_001256307.2); c.284A>G (NM_000860.4); short protein forms N95S.
Identifiers: ClinVar variation 1399281 (VCV001399281.7), dbSNP rs199975458, ClinGen allele CA3142338.